The following is an entry in ClinVar:

ClinVar aggregate classification (germline): Likely pathogenic (1 of 4 stars; one submission).

Conditions:
X-linked Alport syndrome (ATS1). Also called: NEPHROPATHY AND DEAFNESS, X-LINKED; COL4A5-Related Nephropathy. Identifiers: Orphanet 63, Orphanet 88917, MedGen C4746986, MONDO:0010520, OMIM 301050.

Submission:

Centre de Génétique Humaine, Institut de Pathologie Et de Génétique
Classification: Likely pathogenic for X-linked Alport syndrome. Last evaluated: 2026-07-08. Review status: criteria provided, single submitter. Criteria: ACMG Guidelines, 2015. Collection method: clinical testing. Allele origin: paternal, germline, maternal. Inheritance: X-linked dominant inheritance. Affected: yes. Observed: 3 variant alleles, 1 heterozygote, 2 hemizygotes. Clinical features observed: Microscopic hematuria (HP:0002907), Severe albuminuria (HP:0033066), Stage 2 chronic kidney disease (HP:0012624), Stage 5 chronic kidney disease (HP:0003774). Segregation with disease observed.
Comment: This missense variant involves a highly conserved glycine located in a ‘Gly-X-Y’ motif in collagenous region, (PM1,PP2). This variant is rare: absent in gnomAD v4.1.0 database (PM2). Another missense variant affecting the same residue described as likely pathogenic in ClinVar and PMID: 37097554: c.3577G>A, p.(Gly1193Glu) (PM5). In silico analysis supports that this missense variant has a deleterious effect (PP3).

NM_033380.3(COL4A5):c.3577G>A (p.Gly1193Arg)

Gene: COL4A5 (collagen type IV alpha 5 chain; plus strand). Cytogenetic location: Xq22.3.
Variant type: single nucleotide variant.
Coding change: c.3577G>A on transcript NM_033380.3 (MANE Select); coding-DNA position 3577, G replaced by A.
Protein change: p.Gly1193Arg; replaces glycine 1193 with arginine.
Molecular consequence: missense variant.
Genome position (GRCh38, 1-based): chrX:108,667,156, G>A. VCF-style: chrX-108667156-G-A. GRCh37 (hg19) VCF-style: chrX-107910386-G-A.
Other names: p.(Gly1193Arg); c.3577G>A, p.Gly1193Arg (NM_000495.5); short protein forms G1193R.
Identifiers: ClinVar variation 5041993 (VCV005041993.1).